The following is an entry in ClinVar:

NM_032237.5(POMK):c.719T>C (p.Met240Thr)

Gene: POMK (protein O-mannose kinase; plus strand). Cytogenetic location: 8p11.21.
Variant type: single nucleotide variant.
Coding change: c.719T>C on transcript NM_032237.5 (MANE Select); coding-DNA position 719, T replaced by C.
Protein change: p.Met240Thr; replaces methionine 240 with threonine.
Molecular consequence: missense variant.
Genome position (GRCh38, 1-based): chr8:43,122,543, T>C. VCF-style: chr8-43122543-T-C. GRCh37 (hg19) VCF-style: chr8-42977686-T-C.
Other names: c.719T>C, p.Met240Thr (NM_001277971.2); short protein forms M240T.
Identifiers: ClinVar variation 841233 (VCV000841233.6), dbSNP rs1811942751, ClinGen allele CA371122512.

ClinVar aggregate classification (germline): Uncertain significance (1 of 4 stars; one submission).

Conditions:
Limb-girdle muscular dystrophy due to POMK deficiency. Also called: MUSCULAR DYSTROPHY-DYSTROGLYCANOPATHY, LIMB-GIRDLE, POMK-RELATED; Muscular dystrophy-dystroglycanopathy (limb-girdle), type c, 12. Identifiers: Orphanet 445110, MedGen C4015184, MONDO:0014489, OMIM 616094.
Muscular dystrophy-dystroglycanopathy (congenital with brain and eye anomalies), type a, 12 (MDDGA12). Also called: WALKER-WARBURG SYNDROME OR MUSCLE-EYE-BRAIN DISEASE, POMK-RELATED. Identifiers: Orphanet 899, MedGen C3808964, MONDO:0014101, OMIM 615249.

gnomAD v4.1: 1 of 1,614,182 alleles (0.000062%); highest among the groups gnomAD compares: Admixed American, 0.0017%; no homozygotes.

Submission:

Labcorp Genetics (formerly Invitae), Labcorp
Classification: Uncertain significance for Muscular dystrophy-dystroglycanopathy (congenital with brain and eye anomalies), type a, 12; Limb-girdle muscular dystrophy due to POMK deficiency. Last evaluated: 2023-05-23. Review status: criteria provided, single submitter. Criteria: Invitae Variant Classification Sherloc (09022015). Collection method: clinical testing. Allele origin: germline.
Comment: In summary, the available evidence is currently insufficient to determine the role of this variant in disease. Therefore, it has been classified as a Variant of Uncertain Significance. Advanced modeling of protein sequence and biophysical properties (such as structural, functional, and spatial information, amino acid conservation, physicochemical variation, residue mobility, and thermodynamic stability) performed at Invitae indicates that this missense variant is not expected to disrupt POMK protein function. ClinVar contains an entry for this variant (Variation ID: 841233). This variant has not been reported in the literature in individuals affected with POMK-related conditions. This variant is not present in population databases (gnomAD no frequency). This sequence change replaces methionine, which is neutral and non-polar, with threonine, which is neutral and polar, at codon 240 of the POMK protein (p.Met240Thr).